The following is an entry in ClinVar:

NM_001105206.3(LAMA4):c.2416C>T (p.Arg806Ter)

Gene: LAMA4 (laminin subunit alpha 4; minus strand). Cytogenetic location: 6q21.
Variant type: single nucleotide variant.
Coding change: c.2416C>T on transcript NM_001105206.3 (MANE Select); coding-DNA position 2416, C replaced by T.
Protein change: p.Arg806Ter; replaces arginine 806 with a stop codon.
Molecular consequence: nonsense.
Genome position (GRCh38, 1-based): chr6:112,144,871, G>A on the plus strand (C>T on the coding strand, the complement: LAMA4 is on the minus strand). VCF-style: chr6-112144871-G-A. GRCh37 (hg19) VCF-style: chr6-112466073-G-A.
Other names: c.2395C>T, p.Arg799Ter (NM_001105207.3, NM_002290.5); short protein forms R799*, R806*.
Identifiers: ClinVar variation 3536926 (VCV003536926.2).
Genomic context (GRCh38, chr6:112,144,871, plus strand): 5'-TGGTCTGAGCAATGAGCTCTCGGATCCTCTGGATGCTGGCAGAAACGTTGCTTGCAGGTC[G>A]CTTCTGCTCAACCGTACGAAGCTGATCCAGGAGCTGAGGGACAACCTCGGTCAGATTTCT-3'

ClinVar aggregate classification (germline): Uncertain significance. Review status: criteria provided, multiple submitters, no conflicts (2 of 4 stars). 2 submissions from 2 submitters: Uncertain significance (2). Last evaluated 2025-08-10.

Conditions:
Dilated cardiomyopathy 1JJ (CMD1JJ). Identifiers: Orphanet 154, MedGen C3808935, MONDO:0014095, OMIM 615235.
Cardiovascular phenotype. Identifiers: MedGen CN230736.

gnomAD v4.1: 9 of 1,613,834 alleles (0.00056%); highest among the groups gnomAD compares: Admixed American, 0.0017%; no homozygotes.

Submissions (2):

Labcorp Genetics (formerly Invitae), Labcorp
Classification: Uncertain significance for Dilated cardiomyopathy 1JJ. Last evaluated: 2025-08-10. Review status: criteria provided, single submitter. Criteria: Invitae Variant Classification Sherloc (09022015). Collection method: clinical testing. Allele origin: germline.
Comment: This sequence change creates a premature translational stop signal (p.Arg799*) in the LAMA4 gene. It is expected to result in an absent or disrupted protein product. However, the current clinical and genetic evidence is not sufficient to establish whether loss-of-function variants in LAMA4 cause disease. The frequency data for this variant in the population databases is considered unreliable, as metrics indicate poor data quality at this position in the gnomAD database. This variant has not been reported in the literature in individuals affected with LAMA4-related conditions. ClinVar contains an entry for this variant (Variation ID: 3536926). In summary, the available evidence is currently insufficient to determine the role of this variant in disease. Therefore, it has been classified as a Variant of Uncertain Significance.

Ambry Genetics
Classification: Uncertain significance for Cardiovascular phenotype. Last evaluated: 2024-10-25. Review status: criteria provided, single submitter. Criteria: Ambry Variant Classification Scheme 2023. Collection method: clinical testing. Allele origin: germline.
Comment: The p.R799* variant (also known as c.2395C>T), located in coding exon 18 of the LAMA4 gene, results from a C to T substitution at nucleotide position 2395. This changes the amino acid from an arginine to a stop codon within coding exon 18. This alteration is expected to result in protein truncation or nonsense-mediated mRNA decay. However, loss of function of LAMA4 has not been established as a mechanism of disease. The evidence for this gene-disease relationship is limited; therefore, the clinical significance of this alteration is unclear.